The following is an entry in ClinVar:

ClinVar aggregate classification (germline): Conflicting classifications of pathogenicity. Review status: criteria provided, conflicting classifications (1 of 4 stars). 4 submissions from 4 submitters: Uncertain significance (3); Benign (1). Last evaluated 2025-09-24.

Conditions:
Endometrial carcinoma. Also called: Endometrial carcinoma, somatic. Identifiers: MedGen C0476089, MONDO:0002447, OMIM 608089, HP:0012114.
Hereditary nonpolyposis colorectal neoplasms. Identifiers: MedGen C0009405, MeSH D003123.
Hereditary cancer-predisposing syndrome. Also called: Neoplastic Syndromes, Hereditary; Tumor predisposition; Hereditary Cancer Syndrome; Hereditary neoplastic syndrome. Identifiers: Orphanet 140162, MedGen C0027672, MeSH D009386, MONDO:0015356.

Allele frequency attached by ClinVar (database versions not stated): gnomAD 0.00001; TOPMed 0.00001.
gnomAD v4.1: 3 of 1,613,986 alleles (0.00019%); highest among the groups gnomAD compares: African/African-American, 0.004%; no homozygotes.

Submissions (4):

Labcorp Genetics (formerly Invitae), Labcorp
Classification: Benign for Hereditary nonpolyposis colorectal neoplasms. Last evaluated: 2025-09-24. Review status: criteria provided, single submitter. Criteria: Invitae Variant Classification Sherloc (09022015). Collection method: clinical testing. Allele origin: germline.

Ambry Genetics
Classification: Uncertain significance for Hereditary cancer-predisposing syndrome. Last evaluated: 2025-04-29. Review status: criteria provided, single submitter. Criteria: Ambry Variant Classification Scheme 2023. Collection method: clinical testing. Allele origin: germline.
Comment: The p.L638I variant (also known as c.1912C>A), located in coding exon 4 of the MSH6 gene, results from a C to A substitution at nucleotide position 1912. The leucine at codon 638 is replaced by isoleucine, an amino acid with highly similar properties. This amino acid position is not well conserved in available vertebrate species. In addition, this alteration is predicted to be tolerated by in silico analysis. Since supporting evidence is limited at this time, the clinical significance of this alteration remains unclear.

Baylor Genetics
Classification: Uncertain significance for Endometrial carcinoma. Last evaluated: 2024-02-20. Review status: criteria provided, single submitter. Criteria: ACMG Guidelines, 2015. Collection method: clinical testing. Allele origin: unknown.

GeneDx
Classification: Uncertain significance. Last evaluated: 2021-04-21. Review status: criteria provided, single submitter. Criteria: GeneDx Variant Classification Process June 2021. Collection method: clinical testing. Allele origin: germline. Affected: yes.
Comment: Not observed at a significant frequency in large population cohorts (Lek et al., 2016); In silico analysis supports that this missense variant does not alter protein structure/function; Has not been previously published as pathogenic or benign to our knowledge

NM_000179.3(MSH6):c.1912C>A (p.Leu638Ile)

Gene: MSH6 (mutS homolog 6; plus strand). Cytogenetic location: 2p16.3.
Variant type: single nucleotide variant.
Coding change: c.1912C>A on transcript NM_000179.3 (MANE Select); coding-DNA position 1912, C replaced by A.
Protein change: p.Leu638Ile; replaces leucine 638 with isoleucine.
Molecular consequence: missense variant.
Genome position (GRCh38, 1-based): chr2:47,799,895, C>A. VCF-style: chr2-47799895-C-A. GRCh37 (hg19) VCF-style: chr2-48027034-C-A.
Other names: c.1522C>A, p.Leu508Ile (NM_001281492.2); c.1006C>A, p.Leu336Ile (NM_001281493.2, NM_001281494.2); short protein forms L336I, L508I, L638I.
Identifiers: ClinVar variation 649497 (VCV000649497.16), dbSNP rs1303026707, ClinGen allele CA346750198.